The following is an entry in ClinVar:

NM_001130438.3(SPTAN1):c.405G>C (p.Leu135Phe)

Gene: SPTAN1 (spectrin alpha, non-erythrocytic 1; plus strand). Cytogenetic location: 9q34.11.
Variant type: single nucleotide variant.
Coding change: c.405G>C on transcript NM_001130438.3 (MANE Select); coding-DNA position 405, G replaced by C.
Protein change: p.Leu135Phe; replaces leucine 135 with phenylalanine.
Molecular consequence: missense variant.
Genome position (GRCh38, 1-based): chr9:128,574,716, G>C. VCF-style: chr9-128574716-G-C. GRCh37 (hg19) VCF-style: chr9-131336995-G-C.
Other names: c.405G>C, p.Leu135Phe (NM_001195532.2, NM_001363759.2, NM_001363765.2 and 5 more transcripts); c.441G>C, p.Leu147Phe (NM_001375312.2, NM_001375318.1); short protein forms L147F, L135F.
Identifiers: ClinVar variation 2178427 (VCV002178427.4), dbSNP rs1414536477, ClinGen allele CA375052482.

ClinVar aggregate classification (germline): Uncertain significance (1 of 4 stars; one submission).

Conditions:
Early-infantile DEE. Also called: Early infantile epileptic encephalopathy with suppression bursts; Early infantile epileptic encephalopathy; Ohtahara syndrome. Identifiers: Orphanet 1934, MedGen C0393706, MONDO:0800491.

Allele frequency attached by ClinVar (database versions not stated): TOPMed below 0.00001.

Submission:

Labcorp Genetics (formerly Invitae), Labcorp
Classification: Uncertain significance for Early-infantile DEE. Last evaluated: 2025-04-01. Review status: criteria provided, single submitter. Criteria: Invitae Variant Classification Sherloc (09022015). Collection method: clinical testing. Allele origin: germline.
Comment: This sequence change replaces leucine, which is neutral and non-polar, with phenylalanine, which is neutral and non-polar, at codon 135 of the SPTAN1 protein (p.Leu135Phe). This variant is not present in population databases (gnomAD no frequency). This variant has not been reported in the literature in individuals affected with SPTAN1-related conditions. ClinVar contains an entry for this variant (Variation ID: 2178427). Invitae Evidence Modeling of protein sequence and biophysical properties (such as structural, functional, and spatial information, amino acid conservation, physicochemical variation, residue mobility, and thermodynamic stability) has been performed for this missense variant. However, the output from this modeling did not meet the statistical confidence thresholds required to predict the impact of this variant on SPTAN1 protein function. In summary, the available evidence is currently insufficient to determine the role of this variant in disease. Therefore, it has been classified as a Variant of Uncertain Significance.